The following is an entry in ClinVar:

ClinVar aggregate classification (germline): Uncertain significance (1 of 4 stars; one submission).

Conditions:
Brain-lung-thyroid syndrome. Also called: Choreoathetosis, congenital hypothyroidism, and neonatal respiratory distress; Choreoathetosis, Congenital Hypothyroidism, and Neonatal Respiratory Distress Syndrome (Brain-Lung-Thyroid Syndrome); CHOREOATHETOSIS AND CONGENITAL HYPOTHYROIDISM WITH PULMONARY DYSFUNCTION. Identifiers: Orphanet 209905, MedGen C1970269, MONDO:0012593, OMIM 610978.

gnomAD v4.1: 1 of 1,523,656 alleles (0.000066%); highest among the groups gnomAD compares: Non-Finnish European, 0.000088%; no homozygotes.

Submission:

Johns Hopkins Genomics, Johns Hopkins University
Classification: Uncertain significance for Brain-lung-thyroid syndrome. Last evaluated: 2022-10-28. Review status: criteria provided, single submitter. Criteria: ACMG Guidelines, 2015. Collection method: clinical testing. Allele origin: germline.
Comment: This NKX2-1 missense variant is absent from a large population dataset and has not been reported in ClinVar nor the literature, to our knowledge. Two bioinformatic tools queried predict that this substitution would be damaging, and the glycine residue at this position is evolutionarily conserved across all of the species assessed. We consider the clinical significance of c.890G>A in NKX2-1 to be uncertain at this time.

NM_001079668.3(NKX2-1):c.890G>A (p.Gly297Asp)

Genes: NKX2-1 (NK2 homeobox 1; minus strand), SFTA3 (surfactant associated 3; minus strand). Cytogenetic location: 14q13.3.
Variant type: single nucleotide variant.
Coding change: c.890G>A on transcript NM_001079668.3 (MANE Select); coding-DNA position 890, G replaced by A.
Protein change: p.Gly297Asp; replaces glycine 297 with aspartic acid.
Molecular consequence: missense variant.
Genome position (GRCh38, 1-based): chr14:36,517,594, C>T on the plus strand (G>A on the coding strand, the complement: NKX2-1 is on the minus strand). VCF-style: chr14-36517594-C-T. GRCh37 (hg19) VCF-style: chr14-36986799-C-T.
Other names: c.800G>A, p.Gly267Asp (NM_003317.4); short protein forms G267D, G297D.
Identifiers: ClinVar variation 2443063 (VCV002443063.1), dbSNP rs866144511, ClinGen allele CA258877899.